The following is an entry in ClinVar:

NM_001379081.2(FREM1):c.4617G>A (p.Ala1539=)

Gene: FREM1 (FRAS1 related extracellular matrix 1; minus strand). Cytogenetic location: 9p22.3.
Variant type: single nucleotide variant.
Coding change: c.4617G>A on transcript NM_001379081.2 (MANE Select); coding-DNA position 4617, G replaced by A.
Protein change: p.Ala1539=; no amino-acid change (alanine 1539 retained).
Molecular consequence: synonymous variant. On other transcripts: non-coding transcript variant (2).
Genome position (GRCh38, 1-based): chr9:14,776,029, C>T on the plus strand (G>A on the coding strand, the complement: FREM1 is on the minus strand). VCF-style: chr9-14776029-C-T. GRCh37 (hg19) VCF-style: chr9-14776027-C-T.
Other names: p.Ala1539=; c.225G>A, p.Ala75= (NM_001177704.3, NM_001370058.2, NM_001370061.2); c.4617G>A, p.Ala1539= (NM_144966.7).
Identifiers: ClinVar variation 262539 (VCV000262539.19), dbSNP rs2131880, ClinGen allele CA4990115.

ClinVar aggregate classification (germline): Benign. Review status: criteria provided, multiple submitters, no conflicts (2 of 4 stars). 8 submissions from 8 submitters: Benign (8). Last evaluated 2026-02-03.

Conditions:
Oculotrichoanal syndrome (MOTA). Also called: MARLES SYNDROME; Manitoba Oculotrichoanal (MOTA) Syndrome. Identifiers: Orphanet 2717, MedGen C1855425, MONDO:0009560, OMIM 248450.

Allele frequency attached by ClinVar (database versions not stated): 1000 Genomes Project 0.10643; 1000 Genomes Project 30x 0.10759; gnomAD exomes 0.13064 and 0.15977; ExAC 0.13406; TOPMed 0.14172; gnomAD 0.14290 and 0.14595; ESP Exome Variant Server 0.16114.

Submissions (8):

Labcorp Genetics (formerly Invitae), Labcorp
Classification: Benign. Last evaluated: 2026-02-03. Review status: criteria provided, single submitter. Criteria: Invitae Variant Classification Sherloc (09022015). Collection method: clinical testing. Allele origin: germline.

Blueprint Genetics
Classification: Benign. Last evaluated: 2024-11-27. Review status: criteria provided, single submitter. Criteria: ACMG Guidelines, 2015. Collection method: clinical testing. Allele origin: germline.

Mayo Clinic Laboratories, Mayo Clinic
Classification: Benign. Last evaluated: 2022-03-09. Review status: criteria provided, single submitter. Criteria: ACMG Guidelines, 2015. Collection method: clinical testing. Allele origin: germline. Observed: 20 variant alleles.

Genome-Nilou Lab
Classification: Benign for Oculotrichoanal syndrome. Last evaluated: 2021-08-10. Review status: criteria provided, single submitter. Criteria: ACMG Guidelines, 2015. Collection method: clinical testing. Allele origin: germline. Affected: no.

GeneDx
Classification: Benign. Last evaluated: 2021-05-04. Review status: criteria provided, single submitter. Criteria: GeneDx Variant Classification Process June 2021. Collection method: clinical testing. Allele origin: germline. Affected: yes.

Illumina Laboratory Services, Illumina
Classification: Benign for Oculotrichoanal syndrome. Last evaluated: 2018-01-13. Review status: criteria provided, single submitter. Criteria: ICSL Variant Classification Criteria 13 December 2019. Collection method: clinical testing. Allele origin: germline.
Comment: This variant was observed in the ICSL laboratory as part of a predisposition screen in an ostensibly healthy population. It had not been previously curated by ICSL or reported in the Human Gene Mutation Database (HGMD: prior to June 1st, 2018), and was therefore a candidate for classification through an automated scoring system. Utilizing variant allele frequency, disease prevalence and penetrance estimates, and inheritance mode, an automated score was calculated to assess if this variant is too frequent to cause the disease. Based on the score and internal cut-off values, a variant classified as benign is not then subjected to further curation. The score for this variant resulted in a classification of benign for this disease.

Breakthrough Genomics
Classification: Benign. Review status: criteria provided, single submitter. Criteria: ACMG Guidelines, 2015. Collection method: not provided. Allele origin: germline. Inheritance: Autosomal recessive inheritance. Affected: yes.

PreventionGenetics, part of Exact Sciences
Classification: Benign. Review status: criteria provided, single submitter. Criteria: ACMG Guidelines, 2015. Collection method: clinical testing. Allele origin: germline.